The following is an entry in ClinVar:

ClinVar aggregate classification (germline): Uncertain significance (1 of 4 stars; one submission).

Conditions:
Joubert syndrome. Also called: CEREBELLOPARENCHYMAL DISORDER IV; JOUBERT-BOLTSHAUSER SYNDROME; Familial aplasia of the vermis. Identifiers: Orphanet 475, MedGen C5979921, MONDO:0018772.
Nephronophthisis. Also called: Juvenile Nephronophthisis. Identifiers: Orphanet 655, MedGen C0687120, MONDO:0019005, HP:0000090.
Meckel-Gruber syndrome. Also called: DYSENCEPHALIA SPLANCHNOCYSTICA; GRUBER SYNDROME; Dysencephalia splachnocystica. Identifiers: Orphanet 564, MedGen C0265215, MONDO:0018921.

Allele frequency attached by ClinVar (database versions not stated): gnomAD exomes below 0.00001; gnomAD 0.00001; TOPMed 0.00001.
gnomAD v4.1: 2 of 1,429,350 alleles (0.00014%); highest among the groups gnomAD compares: African/African-American, 0.003%; no homozygotes.

Submission:

Labcorp Genetics (formerly Invitae), Labcorp
Classification: Uncertain significance for Joubert syndrome; Meckel-Gruber syndrome; Nephronophthisis. Last evaluated: 2022-07-06. Review status: criteria provided, single submitter. Criteria: Invitae Variant Classification Sherloc (09022015). Collection method: clinical testing. Allele origin: germline.
Comment: This sequence change replaces aspartic acid, which is acidic and polar, with glycine, which is neutral and non-polar, at codon 803 of the CEP290 protein (p.Asp803Gly). This variant is not present in population databases (gnomAD no frequency). This variant has not been reported in the literature in individuals affected with CEP290-related conditions. ClinVar contains an entry for this variant (Variation ID: 1416578). Algorithms developed to predict the effect of missense changes on protein structure and function are either unavailable or do not agree on the potential impact of this missense change (SIFT: "Deleterious"; PolyPhen-2: "Benign"; Align-GVGD: "Class C0"). Algorithms developed to predict the effect of sequence changes on RNA splicing suggest that this variant may create or strengthen a splice site. In summary, the available evidence is currently insufficient to determine the role of this variant in disease. Therefore, it has been classified as a Variant of Uncertain Significance.

NM_025114.4(CEP290):c.2408A>G (p.Asp803Gly)

Gene: CEP290 (centrosomal protein 290; minus strand). Cytogenetic location: 12q21.32.
Variant type: single nucleotide variant.
Coding change: c.2408A>G on transcript NM_025114.4 (MANE Select); coding-DNA position 2408, A replaced by G.
Protein change: p.Asp803Gly; replaces aspartic acid 803 with glycine.
Molecular consequence: missense variant.
Genome position (GRCh38, 1-based): chr12:88,109,141, T>C on the plus strand (A>G on the coding strand, the complement: CEP290 is on the minus strand). VCF-style: chr12-88109141-T-C. GRCh37 (hg19) VCF-style: chr12-88502918-T-C.
Other names: short protein forms D803G.
Identifiers: ClinVar variation 1416578 (VCV001416578.5), dbSNP rs927571972, ClinGen allele CA241149235.
Genomic context (GRCh38, chr12:88,109,141, plus strand): 5'-TACAACAAACTTTGTTGATGACGAATTACAGCAAATTTTCTGTTGTAATCTTCAAGAGAA[T>C]CTTCTAAATTCTTTAACTTTTTTTCTTTATTTTCTAGTTCCTGAAAAGTGGTTTAGAAAT-3'
Protein context (NP_079390.3, residues 793-813): NKEKKLKNLE[Asp803Gly]SLEDYNRKFA